The following is an entry in ClinVar:

ClinVar aggregate classification (germline): Uncertain significance. Review status: criteria provided, multiple submitters, no conflicts (2 of 4 stars). 2 submissions from 2 submitters: Uncertain significance (2). Last evaluated 2024-07-29.

Conditions:
Fanconi anemia (FA). Also called: Fanconi's anemia. Identifiers: Orphanet 84, MedGen C0015625, MeSH D005199, MONDO:0019391.

Allele frequency attached by ClinVar (database versions not stated): gnomAD 0.00001; gnomAD exomes 0.00002.
gnomAD v4.1: 22 of 1,610,836 alleles (0.0014%); highest among the groups gnomAD compares: Non-Finnish European, 0.0018%; no homozygotes.

Submissions (2):

GeneDx
Classification: Uncertain significance. Last evaluated: 2024-07-29. Review status: criteria provided, single submitter. Criteria: GeneDx Variant Classification Process June 2021. Collection method: clinical testing. Allele origin: germline. Affected: yes.
Comment: Not observed at significant frequency in large population cohorts (gnomAD); In silico analysis indicates that this missense variant does not alter protein structure/function; Has not been previously published as pathogenic or benign to our knowledge

Labcorp Genetics (formerly Invitae), Labcorp
Classification: Uncertain significance for Fanconi anemia. Last evaluated: 2024-03-12. Review status: criteria provided, single submitter. Criteria: Invitae Variant Classification Sherloc (09022015). Collection method: clinical testing. Allele origin: germline.
Comment: This sequence change replaces glutamine, which is neutral and polar, with proline, which is neutral and non-polar, at codon 1441 of the FANCM protein (p.Gln1441Pro). This variant is present in population databases (rs768911217, gnomAD 0.01%). This variant has not been reported in the literature in individuals affected with FANCM-related conditions. ClinVar contains an entry for this variant (Variation ID: 958234). Algorithms developed to predict the effect of missense changes on protein structure and function output the following: SIFT: "Not Available"; PolyPhen-2: "Benign"; Align-GVGD: "Not Available". The proline amino acid residue is found in multiple mammalian species, which suggests that this missense change does not adversely affect protein function. In summary, the available evidence is currently insufficient to determine the role of this variant in disease. Therefore, it has been classified as a Variant of Uncertain Significance.

NM_020937.4(FANCM):c.4322A>C (p.Gln1441Pro)

Gene: FANCM (FA complementation group M; plus strand). Cytogenetic location: 14q21.2.
Variant type: single nucleotide variant.
Coding change: c.4322A>C on transcript NM_020937.4 (MANE Select); coding-DNA position 4322, A replaced by C.
Protein change: p.Gln1441Pro; replaces glutamine 1441 with proline.
Molecular consequence: missense variant.
Genome position (GRCh38, 1-based): chr14:45,181,641, A>C. VCF-style: chr14-45181641-A-C. GRCh37 (hg19) VCF-style: chr14-45650844-A-C.
Other names: c.4244A>C, p.Gln1415Pro (NM_001308133.2); short protein forms Q1415P, Q1441P.
Identifiers: ClinVar variation 958234 (VCV000958234.9), dbSNP rs768911217, ClinGen allele CA259633065.